The following is an entry in ClinVar:

NM_002361.4(MAG):c.1831T>C (p.Tyr611His)

Gene: MAG (myelin associated glycoprotein; plus strand). Cytogenetic location: 19q13.12.
Variant type: single nucleotide variant.
Coding change: c.1831T>C on transcript NM_002361.4 (MANE Select); coding-DNA position 1831, T replaced by C.
Protein change: p.Tyr611His; replaces tyrosine 611 with histidine.
Molecular consequence: missense variant. On other transcripts: 3 prime UTR variant (1).
Genome position (GRCh38, 1-based): chr19:35,313,404, T>C. VCF-style: chr19-35313404-T-C. GRCh37 (hg19) VCF-style: chr19-35804307-T-C.
Other names: c.1756T>C, p.Tyr586His (NM_001199216.2); c.*127T>C (NM_080600.3); short protein forms Y586H, Y611H.
Identifiers: ClinVar variation 1376943 (VCV001376943.3), dbSNP rs376265373, ClinGen allele CA9376431.

ClinVar aggregate classification (germline): Uncertain significance (1 of 4 stars; one submission).

Conditions:
Hereditary spastic paraplegia 75. Also called: Spastic paraplegia 75, autosomal recessive. Identifiers: Orphanet 459056, MedGen C4225250, MONDO:0014729, OMIM 616680.

Allele frequency attached by ClinVar (database versions not stated): gnomAD exomes below 0.00001; ExAC 0.00001; ESP Exome Variant Server 0.00008.
gnomAD v4.1: 1 of 1,613,944 alleles (0.000062%); highest among the groups gnomAD compares: Non-Finnish European, 0.000085%; no homozygotes.

Submission:

Labcorp Genetics (formerly Invitae), Labcorp
Classification: Uncertain significance for Hereditary spastic paraplegia 75. Last evaluated: 2022-08-16. Review status: criteria provided, single submitter. Criteria: Invitae Variant Classification Sherloc (09022015). Collection method: clinical testing. Allele origin: germline.
Comment: This sequence change replaces tyrosine, which is neutral and polar, with histidine, which is basic and polar, at codon 611 of the MAG protein (p.Tyr611His). This variant is present in population databases (rs376265373, gnomAD 0.0009%). This variant has not been reported in the literature in individuals affected with MAG-related conditions. Algorithms developed to predict the effect of missense changes on protein structure and function are either unavailable or do not agree on the potential impact of this missense change (SIFT: "Deleterious"; PolyPhen-2: "Possibly Damaging"; Align-GVGD: "Class C0"). In summary, the available evidence is currently insufficient to determine the role of this variant in disease. Therefore, it has been classified as a Variant of Uncertain Significance.